The following is an entry in ClinVar:

NM_001042492.3(NF1):c.4373A>G (p.Glu1458Gly)

Gene: NF1 (neurofibromin 1; plus strand). Cytogenetic location: 17q11.2.
Variant type: single nucleotide variant.
Coding change: c.4373A>G on transcript NM_001042492.3 (MANE Select); coding-DNA position 4373, A replaced by G.
Protein change: p.Glu1458Gly; replaces glutamic acid 1458 with glycine.
Molecular consequence: missense variant.
Genome position (GRCh38, 1-based): chr17:31,259,072, A>G. VCF-style: chr17-31259072-A-G. GRCh37 (hg19) VCF-style: chr17-29586090-A-G.
Other names: c.4310A>G, p.Glu1437Gly (NM_000267.4); short protein forms E1437G, E1458G.
Identifiers: ClinVar variation 237564 (VCV000237564.7), dbSNP rs878853894, ClinGen allele CA10583503.
Genomic context (GRCh38, chr17:31,259,072, plus strand): 5'-AACCCTGTTTTATTGTGTAGATACTTCAGAGTATTGCCAATCATGTTCTCTTCACAAAAG[A>G]AGAACATATGCGGCCTTTCAATGATTTTGTGAAAAGCAACTTTGATGCAGCACGCAGGTA-3'
Protein context (NP_001035957.1, residues 1448-1468): SIANHVLFTK[Glu1458Gly]EHMRPFNDFV

ClinVar aggregate classification (germline): Conflicting classifications of pathogenicity. Review status: criteria provided, conflicting classifications (1 of 4 stars). 3 submissions from 3 submitters: Pathogenic (1); Uncertain significance (1). 1 of the submissions does not count toward it. Last evaluated 2025-09-15.

Conditions:
Neurofibromatosis, type 1 (NF1). Also called: Neurofibromatosis, type I; VON RECKLINGHAUSEN DISEASE; NEUROFIBROMATOSIS, TYPE I, SOMATIC; Peripheral type neurofibromatosis. Identifiers: Orphanet 636, MedGen C0027831, MONDO:0018975, OMIM 162200. Disease mechanism: loss of function.

Allele frequency attached by ClinVar (database versions not stated): gnomAD exomes below 0.00001; gnomAD 0.00001.
gnomAD v4.1: 2 of 1,604,828 alleles (0.00012%); highest among the groups gnomAD compares: Non-Finnish European, 0.00017%; no homozygotes.

Submissions (3):

Labcorp Genetics (formerly Invitae), Labcorp
Classification: Pathogenic for Neurofibromatosis, type 1. Last evaluated: 2025-09-15. Review status: criteria provided, single submitter. Criteria: Invitae Variant Classification Sherloc (09022015). Collection method: clinical testing. Allele origin: germline.
Comment: This sequence change replaces glutamic acid, which is acidic and polar, with glycine, which is neutral and non-polar, at codon 1437 of the NF1 protein (p.Glu1437Gly). This variant is present in population databases (no rsID available, gnomAD 0.007%). This missense change has been observed in individual(s) with clinical features of neurofibromatosis type 1 (internal data). In at least one individual the variant was observed to be de novo. Invitae Evidence Modeling of clinical and family history, age, sex, and reported ancestry of multiple individuals with this NF1 variant has been performed. This variant is expected to be pathogenic with a positive predictive value of at least 99%. This is a validated machine learning model that incorporates the clinical features of 1,785,918 individuals referred to our laboratory for NF1 testing. ClinVar contains an entry for this variant (Variation ID: 237564). Invitae Evidence Modeling of protein sequence and biophysical properties (such as structural, functional, and spatial information, amino acid conservation, physicochemical variation, residue mobility, and thermodynamic stability) indicates that this missense variant is expected to disrupt NF1 protein function with a positive predictive value of 95%. This variant disrupts the p.Glu1437 amino acid residue in NF1. Other variant(s) that disrupt this residue have been determined to be pathogenic (PMID: 28961165; internal data). This suggests that this residue is clinically significant, and that variants that disrupt this residue are likely to be disease-causing. For these reasons, this variant has been classified as Pathogenic.

GeneDx
Classification: Uncertain significance. Last evaluated: 2021-10-20. Review status: criteria provided, single submitter. Criteria: GeneDx Variant Classification Process June 2021. Collection method: clinical testing. Allele origin: germline. Affected: yes.
Comment: In silico analysis supports that this missense variant has a deleterious effect on protein structure/function; This variant is associated with the following publications: (PMID: 23656349, 33443663, 22807134, 25486365)

Clinical Molecular Genetics Laboratory, Johns Hopkins All Children's Hospital
Classification: Uncertain significance for Neurofibromatosis, type 1. Last evaluated: 2016-04-01. Review status: no assertion criteria provided. Collection method: clinical testing. Allele origin: germline. Affected: yes. Not counted in ClinVar's aggregate classification.

Literature cited by the submitters: PubMed 28961165 (cited by Labcorp Genetics (formerly Invitae), Labcorp).